The following is an entry in ClinVar:

NM_000374.5(UROD):c.271C>A (p.Pro91Thr)

Gene: UROD (uroporphyrinogen decarboxylase; plus strand). Cytogenetic location: 1p34.1.
Variant type: single nucleotide variant.
Coding change: c.271C>A on transcript NM_000374.5 (MANE Select); coding-DNA position 271, C replaced by A.
Protein change: p.Pro91Thr; replaces proline 91 with threonine.
Molecular consequence: missense variant. On other transcripts: non-coding transcript variant (3).
Genome position (GRCh38, 1-based): chr1:45,013,349, C>A. VCF-style: chr1-45013349-C-A. GRCh37 (hg19) VCF-style: chr1-45479021-C-A.
Other names: short protein forms P91T.
Identifiers: ClinVar variation 2631472 (VCV002631472.1), dbSNP rs1423668185, ClinGen allele CA340117214.

ClinVar aggregate classification (germline): Uncertain significance (1 of 4 stars; one submission).

Conditions:
UROD-related disorder. Also called: UROD-related condition; UROD-related disorders.

Allele frequency attached by ClinVar (database versions not stated): gnomAD exomes 0.00001.

Submission:

PreventionGenetics, part of Exact Sciences
Classification: Uncertain significance for UROD-related condition. Last evaluated: 2023-08-08. Review status: criteria provided, single submitter. Criteria: ACMG Guidelines, 2015. Collection method: clinical testing. Allele origin: germline.
Comment: The UROD c.271C>A variant is predicted to result in the amino acid substitution p.Pro91Thr. To our knowledge, this variant has not been reported in the literature. This variant is reported in 0.00088% of alleles in individuals of European (Non-Finnish) descent in gnomAD. At this time, the clinical significance of this variant is uncertain due to the absence of conclusive functional and genetic evidence.